The following is an entry in ClinVar:

ClinVar aggregate classification (germline): Uncertain significance. Review status: criteria provided, multiple submitters, no conflicts (2 of 4 stars). 2 submissions from 2 submitters: Uncertain significance (2). Last evaluated 2024-02-17.

Conditions:
Inborn genetic diseases. Identifiers: MedGen C0950123, MeSH D030342.

Allele frequency attached by ClinVar (database versions not stated): gnomAD exomes 0.00002; ExAC 0.00006.

Submissions (2):

Labcorp Genetics (formerly Invitae), Labcorp
Classification: Uncertain significance. Last evaluated: 2024-02-17. Review status: criteria provided, single submitter. Criteria: Invitae Variant Classification Sherloc (09022015). Collection method: clinical testing. Allele origin: germline.
Comment: This sequence change replaces alanine, which is neutral and non-polar, with threonine, which is neutral and polar, at codon 241 of the LAMA5 protein (p.Ala241Thr). This variant is present in population databases (rs781615686, gnomAD 0.02%). This variant has not been reported in the literature in individuals affected with LAMA5-related conditions. ClinVar contains an entry for this variant (Variation ID: 2330441). An algorithm developed to predict the effect of missense changes on protein structure and function (PolyPhen-2) suggests that this variant is likely to be disruptive. In summary, the available evidence is currently insufficient to determine the role of this variant in disease. Therefore, it has been classified as a Variant of Uncertain Significance.

Ambry Genetics
Classification: Uncertain significance for Inborn genetic diseases. Last evaluated: 2022-12-01. Review status: criteria provided, single submitter. Criteria: Ambry Variant Classification Scheme 2023. Collection method: clinical testing. Allele origin: germline.

NM_005560.6(LAMA5):c.721G>A (p.Ala241Thr)

Gene: LAMA5 (laminin subunit alpha 5; minus strand). Cytogenetic location: 20q13.33.
Variant type: single nucleotide variant.
Coding change: c.721G>A on transcript NM_005560.6 (MANE Select); coding-DNA position 721, G replaced by A.
Protein change: p.Ala241Thr; replaces alanine 241 with threonine.
Molecular consequence: missense variant.
Genome position (GRCh38, 1-based): chr20:62,352,046, C>T on the plus strand (G>A on the coding strand, the complement: LAMA5 is on the minus strand). VCF-style: chr20-62352046-C-T. GRCh37 (hg19) VCF-style: chr20-60927102-C-T.
Other names: short protein forms A241T.
Identifiers: ClinVar variation 2330441 (VCV002330441.4), dbSNP rs781615686, ClinGen allele CA9944307.
Genomic context (GRCh38, chr20:62,352,046, plus strand): 5'-GGCGGACGTTGGTGGCCTTGGTGAACTCACGTAGCAGCGGCGAGTAGGAGAAATTCATGG[C>T]GCCCGGACGTCCGTTCACCAGGGACACCACGATCTGTGGGCAGTATGCGGTGACGCCAGT-3'
Protein context (NP_005551.3, residues 231-251): VVSLVNGRPG[Ala241Thr]MNFSYSPLLR